The following is an entry in ClinVar:

NM_024529.5(CDC73):c.170T>A (p.Leu57Ter)

Gene: CDC73 (cell division cycle 73; plus strand). Cytogenetic location: 1q31.2.
Variant type: single nucleotide variant.
Coding change: c.170T>A on transcript NM_024529.5 (MANE Select); coding-DNA position 170, T replaced by A.
Protein change: p.Leu57Ter; replaces leucine 57 with a stop codon.
Molecular consequence: nonsense.
Genome position (GRCh38, 1-based): chr1:193,125,150, T>A. VCF-style: chr1-193125150-T-A. GRCh37 (hg19) VCF-style: chr1-193094280-T-A.
Other names: short protein forms L57*.
Identifiers: ClinVar variation 3652613 (VCV003652613.2).
Genomic context (GRCh38, chr1:193,125,150, plus strand): 5'-AATCTTGCCTTAATTATTTCAGGACTGGAAAGGAAGGCCAACCCAGAGAGTACTACACAT[T>A]GGATTCCATTTTATTTCTACTTAATAACGTGCACCTTTCTCATCCTGTTTATGTCCGACG-3'

ClinVar aggregate classification (germline): Pathogenic (1 of 4 stars; one submission).

Conditions:
Parathyroid carcinoma (PRTC). Also called: Parathyroid gland carcinoma; CDC73-Related Parathyroid Carcinoma. Identifiers: Orphanet 143, MedGen C0687150, MONDO:0012004, OMIM 608266, HP:0006780.

Submission:

Labcorp Genetics (formerly Invitae), Labcorp
Classification: Pathogenic for Parathyroid carcinoma. Last evaluated: 2024-05-08. Review status: criteria provided, single submitter. Criteria: Invitae Variant Classification Sherloc (09022015). Collection method: clinical testing. Allele origin: germline.
Comment: This sequence change creates a premature translational stop signal (p.Leu57*) in the CDC73 gene. It is expected to result in an absent or disrupted protein product. Loss-of-function variants in CDC73 are known to be pathogenic (PMID: 12434154). This variant is not present in population databases (gnomAD no frequency). This variant has not been reported in the literature in individuals affected with CDC73-related conditions. For these reasons, this variant has been classified as Pathogenic.

Literature cited by the submitters: PubMed 12434154.